The following is an entry in ClinVar:

ClinVar aggregate classification (germline): Uncertain significance (1 of 4 stars; one submission).

Conditions:
Saldino-Mainzer syndrome (SRTD9). Also called: CONORENAL SYNDROME; short-rib thoracic dysplasia 9 with or without polydactyly; Renal dysplasia, retinal pigmentary dystrophy, cerebellar ataxia and skeletal dysplasia; SHORT-RIB THORACIC DYSPLASIA 9 WITHOUT POLYDACTYLY. Identifiers: Orphanet 140969, MedGen C1849437, MONDO:0009964, OMIM 266920.

Submission:

Labcorp Genetics (formerly Invitae), Labcorp
Classification: Uncertain significance for Saldino-Mainzer syndrome. Last evaluated: 2022-08-03. Review status: criteria provided, single submitter. Criteria: Invitae Variant Classification Sherloc (09022015). Collection method: clinical testing. Allele origin: germline.
Comment: This sequence change replaces tyrosine, which is neutral and polar, with cysteine, which is neutral and slightly polar, at codon 1020 of the IFT140 protein (p.Tyr1020Cys). This variant is not present in population databases (gnomAD no frequency). This variant has not been reported in the literature in individuals affected with IFT140-related conditions. Algorithms developed to predict the effect of missense changes on protein structure and function are either unavailable or do not agree on the potential impact of this missense change (SIFT: "Deleterious"; PolyPhen-2: "Possibly Damaging"; Align-GVGD: "Class C0"). In summary, the available evidence is currently insufficient to determine the role of this variant in disease. Therefore, it has been classified as a Variant of Uncertain Significance.

NM_014714.4(IFT140):c.3059A>G (p.Tyr1020Cys)

Genes: IFT140 (intraflagellar transport 140; minus strand), LOC126862260 (CDK7 strongly-dependent group 2 enhancer GRCh37_chr16:1574508-1575707; plus strand). Cytogenetic location: 16p13.3.
Variant type: single nucleotide variant.
Coding change: c.3059A>G on transcript NM_014714.4 (MANE Select); coding-DNA position 3059, A replaced by G.
Protein change: p.Tyr1020Cys; replaces tyrosine 1020 with cysteine.
Molecular consequence: missense variant.
Genome position (GRCh38, 1-based): chr16:1,524,634, T>C on the plus strand (A>G on the coding strand, the complement: IFT140 is on the minus strand). VCF-style: chr16-1524634-T-C. GRCh37 (hg19) VCF-style: chr16-1574635-T-C.
Other names: short protein forms Y1020C.
Identifiers: ClinVar variation 1713836 (VCV001713836.6), dbSNP rs2506112992, ClinGen allele CA394226003.
Genomic context (GRCh38, chr16:1,524,634, plus strand): 5'-TTGAAGGCCTGTGCCCGGGTGTAGAAGTGCACCGCCTGCCCGACCTCCTCCTGGCTCTCG[T>C]ACTGGCGGGCGAGGTGGTAGGAGGCCGCCAGGTTTCCTGTCTCGTTGGCTATTTGCGCAG-3'
Protein context (NP_055529.2, residues 1010-1030): LAASYHLARQ[Tyr1020Cys]ESQEEVGQAV